The following is an entry in ClinVar:

NM_001349253.2(SCN11A):c.4589A>G (p.Asp1530Gly)

Gene: SCN11A (sodium voltage-gated channel alpha subunit 11; minus strand). Cytogenetic location: 3p22.2.
Variant type: single nucleotide variant.
Coding change: c.4589A>G on transcript NM_001349253.2 (MANE Select); coding-DNA position 4589, A replaced by G.
Protein change: p.Asp1530Gly; replaces aspartic acid 1530 with glycine.
Molecular consequence: missense variant.
Genome position (GRCh38, 1-based): chr3:38,847,481, T>C on the plus strand (A>G on the coding strand, the complement: SCN11A is on the minus strand). VCF-style: chr3-38847481-T-C. GRCh37 (hg19) VCF-style: chr3-38888972-T-C.
Other names: c.4589A>G, p.Asp1530Gly (NM_014139.3); short protein forms D1530G.
Identifiers: ClinVar variation 2926760 (VCV002926760.4), dbSNP rs1367484622, ClinGen allele CA352163301.

ClinVar aggregate classification (germline): Uncertain significance. Review status: criteria provided, multiple submitters, no conflicts (2 of 4 stars). 2 submissions from 2 submitters: Uncertain significance (2). Last evaluated 2026-09-01.

Conditions:
Hereditary sensory and autonomic neuropathy type 7. Also called: Neuropathy, hereditary sensory and autonomic, type VII; HSAN VII. Identifiers: Orphanet 391397, MedGen C3809882, MONDO:0014244, OMIM 615548.
Familial episodic pain syndrome with predominantly lower limb involvement. Also called: Episodic pain syndrome, familial, 3. Identifiers: Orphanet 391384, Orphanet 391392, MedGen C3809899, MONDO:0014247, OMIM 615552.

Allele frequency attached by ClinVar (database versions not stated): gnomAD 0.00001; gnomAD exomes 0.00001; TOPMed 0.00001.
gnomAD v4.1: 5 of 1,614,086 alleles (0.00031%); highest among the groups gnomAD compares: Admixed American, 0.0067%; no homozygotes.

Submissions (2):

CeGaT Center for Human Genetics Tuebingen
Classification: Uncertain significance. Last evaluated: 2026-09-01. Review status: criteria provided, single submitter. Criteria: CeGaT Center For Human Genetics Tuebingen Variant Classification Criteria Version 2. Collection method: clinical testing. Allele origin: germline. Affected: yes. Observed: 1 variant allele.

Labcorp Genetics (formerly Invitae), Labcorp
Classification: Uncertain significance for Familial episodic pain syndrome with predominantly lower limb involvement; Hereditary sensory and autonomic neuropathy type 7. Last evaluated: 2025-11-24. Review status: criteria provided, single submitter. Criteria: Invitae Variant Classification Sherloc (09022015). Collection method: clinical testing. Allele origin: germline.
Comment: This sequence change replaces aspartic acid, which is acidic and polar, with glycine, which is neutral and non-polar, at codon 1530 of the SCN11A protein (p.Asp1530Gly). This variant is present in population databases (no rsID available, gnomAD 0.003%). This variant has not been reported in the literature in individuals affected with SCN11A-related conditions. ClinVar contains an entry for this variant (Variation ID: 2926760). Invitae Evidence Modeling of protein sequence and biophysical properties (such as structural, functional, and spatial information, amino acid conservation, physicochemical variation, residue mobility, and thermodynamic stability) indicates that this missense variant is expected to disrupt SCN11A protein function with a positive predictive value of 80%. In summary, the available evidence is currently insufficient to determine the role of this variant in disease. Therefore, it has been classified as a Variant of Uncertain Significance.